The following is an entry in ClinVar:

ClinVar aggregate classification (germline): Uncertain significance. Review status: reviewed by expert panel (3 of 4 stars). 6 submissions from 6 submitters: Uncertain significance (1). 5 of the submissions do not count toward it. Last evaluated 2024-05-02.

Conditions:
Glanzmann thrombasthenia. Also called: PLATELET GLYCOPROTEIN IIb-IIIa DEFICIENCY; Thrombasthenia; THROMBASTHENIA OF GLANZMANN AND NAEGELI; Glanzmann's thrombasthenia. Identifiers: Orphanet 849, MedGen C0040015, MONDO:0100326.

Allele frequency attached by ClinVar (database versions not stated): 1000 Genomes Project 30x 0.00031; 1000 Genomes Project 0.00040; gnomAD exomes 0.00080 and 0.00138; ESP Exome Variant Server 0.00092; gnomAD 0.00096 and 0.00097; ExAC 0.00106; TOPMed 0.00111.
gnomAD v4.1: 1,376 of 1,614,204 alleles (0.085%); highest among the groups gnomAD compares: Admixed American, 0.2%; 3 homozygotes.

Submissions (6):

ClinGen Platelet Disorders Variant Curation Expert Panel, ClinGen
Classification: Uncertain significance for Glanzmann thrombasthenia. Last evaluated: 2024-05-02. Review status: reviewed by expert panel. Criteria: ClinGen Platelet ACMG Specifications v2-1. Collection method: curation. Allele origin: germline. Inheritance: Autosomal recessive inheritance.
Comment: The NM_000212.3(ITGB3):c.754A>G (p.Ile252Val) missense variant was observed by Illumina as part of a predisposition screen in an ostensibly healthy population and has been reported in the literature in a control cohort (PMID: 29232918) but has not been reported in a GT patient. There is not consensus among computation evidence as to whether there is an effect on the gene or gene product. The variant occurs at an allele frequency greater than expected for the disorder, with the highest continental population frequency in gnomADv4.0.0 is 0.001999 (120/60028 alleles) in the Admixed American population. This is above the threshold of >0.00158 for BS1 but below the BA1 threshold of 0.0024. In summary there is insufficient evidence resulting in a classification of Uncertain Significance. GT-specific criteria applied: BS1.

CeGaT Center for Human Genetics Tuebingen
Classification: Benign. Last evaluated: 2026-07-01. Review status: criteria provided, single submitter. Criteria: CeGaT Center For Human Genetics Tuebingen Variant Classification Criteria Version 2. Collection method: clinical testing. Allele origin: germline. Affected: yes. Observed: 1 variant allele. Not counted in ClinVar's aggregate classification.
Comment: ITGB3: BS1, BS2

Labcorp Genetics (formerly Invitae), Labcorp
Classification: Benign. Last evaluated: 2026-02-01. Review status: criteria provided, single submitter. Criteria: Invitae Variant Classification Sherloc (09022015). Collection method: clinical testing. Allele origin: germline. Not counted in ClinVar's aggregate classification.

Mayo Clinic Laboratories, Mayo Clinic
Classification: Likely benign. Last evaluated: 2025-09-17. Review status: criteria provided, single submitter. Criteria: ACMG Guidelines, 2015. Collection method: clinical testing. Allele origin: germline. Observed: 4 variant alleles. Not counted in ClinVar's aggregate classification.
Comment: BS1, BS2_supporting

Blueprint Genetics
Classification: Likely benign. Last evaluated: 2024-08-08. Review status: criteria provided, single submitter. Criteria: ACMG Guidelines, 2015. Collection method: clinical testing. Allele origin: germline. Not counted in ClinVar's aggregate classification.

Illumina Laboratory Services, Illumina
Classification: Uncertain significance for Glanzmann thrombasthenia 1. Last evaluated: 2018-01-13. Review status: criteria provided, single submitter. Criteria: ICSL Variant Classification Criteria 13 December 2019. Collection method: clinical testing. Allele origin: germline. Not counted in ClinVar's aggregate classification.

NM_000212.3(ITGB3):c.754A>G (p.Ile252Val)

Gene: ITGB3 (integrin subunit beta 3; plus strand). Cytogenetic location: 17q21.32.
Variant type: single nucleotide variant.
Coding change: c.754A>G on transcript NM_000212.3 (MANE Select); coding-DNA position 754, A replaced by G.
Protein change: p.Ile252Val; replaces isoleucine 252 with valine.
Molecular consequence: missense variant.
Genome position (GRCh38, 1-based): chr17:47,286,399, A>G. VCF-style: chr17-47286399-A-G. GRCh37 (hg19) VCF-style: chr17-45363765-A-G.
Other names: short protein forms I252V.
Identifiers: ClinVar variation 695644 (VCV000695644.20), dbSNP rs56173532, ClinGen allele CA8623033.
Genomic context (GRCh38, chr17:47,286,399, plus strand): 5'-GAAGTGAAGAAGCAGAGTGTGTCACGGAACCGAGATGCCCCAGAGGGTGGCTTTGATGCC[A>G]TCATGCAGGCTACAGTCTGTGATGTGAGTTTGGAGGACTTGGAGTGCCAGGTGTGGCTGG-3'
Protein context (NP_000203.2, residues 242-262): RDAPEGGFDA[Ile252Val]MQATVCDEKI